The following is an entry in ClinVar:

NM_001166108.2(PALLD):c.1991C>T (p.Thr664Ile)

Gene: PALLD (palladin, cytoskeletal associated protein; plus strand). Cytogenetic location: 4q32.3.
Variant type: single nucleotide variant.
Coding change: c.1991C>T on transcript NM_001166108.2 (MANE Select); coding-DNA position 1991, C replaced by T.
Protein change: p.Thr664Ile; replaces threonine 664 with isoleucine.
Molecular consequence: missense variant. On other transcripts: 5 prime UTR variant (4).
Genome position (GRCh38, 1-based): chr4:168,890,948, C>T. VCF-style: chr4-168890948-C-T. GRCh37 (hg19) VCF-style: chr4-169812099-C-T.
Other names: c.845C>T, p.Thr282Ile (NM_001166109.2); c.530C>T, p.Thr177Ile (NM_001166110.2); c.-131C>T (NM_001367567.1, NM_001367568.1, NM_001367569.1 and 1 more transcripts); c.1991C>T, p.Thr664Ile (NM_016081.4); short protein forms T177I, T282I, T664I.
Identifiers: ClinVar variation 2563407 (VCV002563407.2), dbSNP rs1754073318, ClinGen allele CA358797110.

ClinVar aggregate classification (germline): Uncertain significance (1 of 4 stars; one submission).

Submission:

Ambry Genetics
Classification: Uncertain significance. Last evaluated: 2023-04-30. Review status: criteria provided, single submitter. Criteria: Ambry Variant Classification Scheme 2023. Collection method: clinical testing. Allele origin: germline.
Comment: The p.T664I variant (also known as c.1991C>T), located in coding exon 10 of the PALLD gene, results from a C to T substitution at nucleotide position 1991. The threonine at codon 664 is replaced by isoleucine, an amino acid with similar properties. This amino acid position is conserved. In addition, the in silico prediction for this alteration is inconclusive. Since supporting evidence is limited at this time, the clinical significance of this alteration remains unclear.